The following is an entry in ClinVar:

NM_177438.3(DICER1):c.3713T>A (p.Leu1238Gln)

Gene: DICER1 (dicer 1, ribonuclease III; minus strand). Cytogenetic location: 14q32.13.
Variant type: single nucleotide variant.
Coding change: c.3713T>A on transcript NM_177438.3 (MANE Select); coding-DNA position 3713, T replaced by A.
Protein change: p.Leu1238Gln; replaces leucine 1238 with glutamine.
Molecular consequence: missense variant. On other transcripts: non-coding transcript variant (6).
Genome position (GRCh38, 1-based): chr14:95,103,683, A>T on the plus strand (T>A on the coding strand, the complement: DICER1 is on the minus strand). VCF-style: chr14-95103683-A-T. GRCh37 (hg19) VCF-style: chr14-95570020-A-T.
Other names: c.3713T>A, p.Leu1238Gln (NM_001195573.1, NM_001271282.3, NM_001291628.2 and 13 more transcripts); c.3431T>A, p.Leu1144Gln (NM_001395686.1); c.3308T>A, p.Leu1103Gln (NM_001395687.1, NM_001395688.1, NM_001395689.1 and 2 more transcripts); c.3146T>A, p.Leu1049Gln (NM_001395691.1); c.2030T>A, p.Leu677Gln (NM_001395697.1); short protein forms L1049Q, L1238Q, L1103Q, L1144Q, L677Q.
Identifiers: ClinVar variation 2868620 (VCV002868620.4), dbSNP rs1060503603, ClinGen allele CA390874266.

ClinVar aggregate classification (germline): Uncertain significance. Review status: criteria provided, multiple submitters, no conflicts (2 of 4 stars). 2 submissions from 2 submitters: Uncertain significance (2). Last evaluated 2025-10-01.

Conditions:
Hereditary cancer-predisposing syndrome. Also called: Hereditary neoplastic syndrome; Hereditary Cancer Syndrome; Neoplastic Syndromes, Hereditary; Tumor predisposition. Identifiers: Orphanet 140162, MedGen C0027672, MeSH D009386, MONDO:0015356.
DICER1-related tumor predisposition. Also called: DICER1-related pleuropulmonary blastoma cancer predisposition syndrome; DICER1 syndrome. Identifiers: Orphanet 284343, MedGen C3839822, MONDO:0100216.

Submissions (2):

Ambry Genetics
Classification: Uncertain significance for Hereditary cancer-predisposing syndrome. Last evaluated: 2025-10-01. Review status: criteria provided, single submitter. Criteria: Ambry Variant Classification Scheme 2023. Collection method: clinical testing. Allele origin: germline.
Comment: The p.L1238Q variant (also known as c.3713T>A), located in coding exon 20 of the DICER1 gene, results from a T to A substitution at nucleotide position 3713. The leucine at codon 1238 is replaced by glutamine, an amino acid with dissimilar properties. This amino acid position is not well conserved in available vertebrate species. In addition, the in silico prediction for this alteration is inconclusive. Based on the available evidence, the clinical significance of this variant remains unclear.

Labcorp Genetics (formerly Invitae), Labcorp
Classification: Uncertain significance for DICER1-related tumor predisposition. Last evaluated: 2023-08-30. Review status: criteria provided, single submitter. Criteria: Invitae Variant Classification Sherloc (09022015). Collection method: clinical testing. Allele origin: germline.
Comment: This variant is not present in population databases (gnomAD no frequency). This sequence change replaces leucine, which is neutral and non-polar, with glutamine, which is neutral and polar, at codon 1238 of the DICER1 protein (p.Leu1238Gln). This variant has not been reported in the literature in individuals affected with DICER1-related conditions. An algorithm developed to predict the effect of missense changes on protein structure and function (PolyPhen-2) suggests that this variant is likely to be tolerated. In summary, the available evidence is currently insufficient to determine the role of this variant in disease. Therefore, it has been classified as a Variant of Uncertain Significance.